The following is an entry in ClinVar:

ClinVar aggregate classification (germline): Benign/Likely benign. Review status: criteria provided, multiple submitters, no conflicts (2 of 4 stars). 2 submissions from 2 submitters: Benign (1); Likely benign (1). Last evaluated 2026-09-01.

Submissions (2):

CeGaT Center for Human Genetics Tuebingen
Classification: Benign. Last evaluated: 2026-09-01. Review status: criteria provided, single submitter. Criteria: CeGaT Center For Human Genetics Tuebingen Variant Classification Criteria Version 2. Collection method: clinical testing. Allele origin: germline. Affected: yes. Observed: 2 variant alleles.
Comment: ENPP1: BS1, BS2

Labcorp Genetics (formerly Invitae), Labcorp
Classification: Likely benign. Last evaluated: 2025-12-29. Review status: criteria provided, single submitter. Criteria: Invitae Variant Classification Sherloc (09022015). Collection method: clinical testing. Allele origin: germline.

NM_006208.3(ENPP1):c.313+8_313+9insTT

Gene: ENPP1 (ectonucleotide pyrophosphatase/phosphodiesterase 1; plus strand). Cytogenetic location: 6q23.2.
Variant type: Insertion.
Coding change: c.313+8_313+9insTT on transcript NM_006208.3 (MANE Select); bases 8 to 9 of the intron after coding-DNA position 313, TT inserted.
Molecular consequence: intron variant.
Genome position: GRCh38 VCF-style: chr6-131847856-G-GTT. GRCh37 (hg19) VCF-style: chr6-132168996-G-GTT.
Identifiers: ClinVar variation 355330 (VCV000355330.19), dbSNP rs879243445, ClinGen allele CA10621388.